The following is an entry in ClinVar:

ClinVar aggregate classification (germline): Uncertain significance (1 of 4 stars; one submission).

Submission:

Labcorp Genetics (formerly Invitae), Labcorp
Classification: Uncertain significance. Last evaluated: 2022-08-16. Review status: criteria provided, single submitter. Criteria: Invitae Variant Classification Sherloc (09022015). Collection method: clinical testing. Allele origin: germline.
Comment: In summary, the available evidence is currently insufficient to determine the role of this variant in disease. Therefore, it has been classified as a Variant of Uncertain Significance. Algorithms developed to predict the effect of missense changes on protein structure and function are either unavailable or do not agree on the potential impact of this missense change (SIFT: "Tolerated"; PolyPhen-2: "Possibly Damaging"; Align-GVGD: "Class C0"). This variant has not been reported in the literature in individuals affected with AHDC1-related conditions. This variant is not present in population databases (gnomAD no frequency). This sequence change replaces proline, which is neutral and non-polar, with serine, which is neutral and polar, at codon 1023 of the AHDC1 protein (p.Pro1023Ser).

NM_001371928.1(AHDC1):c.3067C>T (p.Pro1023Ser)

Gene: AHDC1 (AT-hook DNA binding motif containing 1; minus strand). Cytogenetic location: 1p36.11.
Variant type: single nucleotide variant.
Coding change: c.3067C>T on transcript NM_001371928.1 (MANE Select); coding-DNA position 3067, C replaced by T.
Protein change: p.Pro1023Ser; replaces proline 1023 with serine.
Molecular consequence: missense variant.
Genome position (GRCh38, 1-based): chr1:27,549,049, G>A on the plus strand (C>T on the coding strand, the complement: AHDC1 is on the minus strand). VCF-style: chr1-27549049-G-A. GRCh37 (hg19) VCF-style: chr1-27875560-G-A.
Other names: c.3067C>T, p.Pro1023Ser (NM_001029882.3); short protein forms P1023S.
Identifiers: ClinVar variation 2068037 (VCV002068037.4), dbSNP rs2521896479, ClinGen allele CA339228466.